The following continues an entry in ClinVar:

NM_000059.4(BRCA2):c.943T>A (p.Cys315Ser)

Gene: BRCA2. ClinVar aggregate classification (germline): Benign/Likely benign. Benign (10); Likely benign (8).

Submissions 15 to 28 of 28:

GeneDx
Classification: Benign. Last evaluated: 2016-06-21. Review status: criteria provided, single submitter. Criteria: GeneDx Variant Classification (06012015). Collection method: clinical testing. Allele origin: germline. Affected: yes.
Comment: This variant is considered likely benign or benign based on one or more of the following criteria: it is a conservative change, it occurs at a poorly conserved position in the protein, it is predicted to be benign by multiple in silico algorithms, and/or has population frequency not consistent with disease.

Molecular Genetics Laboratory, University of Michigan
Classification: Likely benign for Breast-ovarian cancer, familial, susceptibility to, 2. Last evaluated: 2016-04-21. Review status: criteria provided, single submitter. Criteria: ACMG Guidelines, 2015. Collection method: clinical testing. Allele origin: germline. Affected: yes.

Color Diagnostics, LLC DBA Color Health
Classification: Likely benign for Hereditary cancer-predisposing syndrome. Last evaluated: 2015-06-01. Review status: criteria provided, single submitter. Criteria: ACMG Guidelines, 2015. Collection method: clinical testing. Allele origin: germline.

Ambry Genetics
Classification: Benign for Hereditary cancer-predisposing syndrome. Last evaluated: 2015-05-08. Review status: criteria provided, single submitter. Criteria: Ambry Variant Classification Scheme 2023. Collection method: clinical testing. Allele origin: germline.

PreventionGenetics, part of Exact Sciences
Classification: Likely benign for BRCA2-related condition. Last evaluated: 2023-11-22. Review status: no assertion criteria provided. Collection method: clinical testing. Allele origin: germline. Not counted in ClinVar's aggregate classification.
Comment: This variant is classified as likely benign based on ACMG/AMP sequence variant interpretation guidelines (Richards et al. 2015 PMID: 25741868, with internal and published modifications).

BRCAlab, Lund University
Classification: Likely benign for Breast-ovarian cancer, familial, susceptibility to, 2. Last evaluated: 2020-03-02. Review status: no assertion criteria provided. Collection method: clinical testing. Allele origin: germline. Affected: yes. Not counted in ClinVar's aggregate classification.

Counsyl
Classification: Likely benign for Breast-ovarian cancer, familial 2. Last evaluated: 2014-07-17. Review status: no assertion criteria provided. Collection method: literature only. Allele origin: unknown. Inheritance: Autosomal dominant inheritance. Not counted in ClinVar's aggregate classification.

Breast Cancer Information Core (BIC) (BRCA2)
Classification: Uncertain significance for Breast-ovarian cancer, familial 2. Last evaluated: 2002-05-29. Review status: no assertion criteria provided. Collection method: clinical testing. Allele origin: germline. Affected: yes. Observed: 15 variant alleles. Not counted in ClinVar's aggregate classification.

Center for Precision Medicine, Meizhou People's Hospital
Classification: Likely benign for Familial cancer of breast. Review status: no assertion criteria provided. Collection method: literature only. Allele origin: germline. Affected: yes. Not counted in ClinVar's aggregate classification.

Clinical Genetics DNA and cytogenetics Diagnostics Lab, Erasmus MC, Erasmus Medical Center
Classification: Likely benign. Review status: no assertion criteria provided. Collection method: clinical testing. Allele origin: germline. Affected: yes. Study: VKGL Data-share Consensus. Not counted in ClinVar's aggregate classification.

Clinical Genetics Laboratory, Department of Pathology, Netherlands Cancer Institute
Classification: Likely benign. Review status: no assertion criteria provided. Collection method: clinical testing. Allele origin: germline. Affected: yes. Study: VKGL Data-share Consensus. Not counted in ClinVar's aggregate classification.

Department of Pathology and Laboratory Medicine, Sinai Health System
Classification: Likely benign. Review status: no assertion criteria provided. Collection method: clinical testing. Allele origin: unknown. Affected: yes. Study: The Canadian Open Genetics Repository (COGR). Not counted in ClinVar's aggregate classification.
Comment: The BRCA2 p.Cys315Ser variant was identified in 1 of 74 proband chromosomes (frequency: 0.014) from individuals or families with hereditary breast and ovarian cancer (Toh 2008) and in 4 of 534 proband chromosomes (frequency: 0.007) from individuals or families with esophageal cancer (Akbari 2008, Hu 2004). The variant was also identified in dbSNP (ID: rs79483201) as â€šÃ„Ãºother,â€šÃ„Ã¹ Clinvitae database (with conflicting interpretations by multiple submitters the ClinVar database (1X as â€šÃ„Ãºbenign,â€šÃ„Ã¹ 3X as â€šÃ„Ãºlikely benign,â€šÃ„Ã¹ and 2X as â€šÃ„Ãºuncertain significanceâ€šÃ„Ã¹), the BIC database (15X with unknown clinical importance), and UMD (14X as â€šÃ„Ã¹unclassified variantâ€šÃ„Ã¹). The variant was not found in the Fanconi Anemia Mutation Database (LOVD), LOVD-IARC database, ARUP Laboratories BRCA Mutations Database, COSMIC, or GeneInsight COGR databases. This variant was identified in the 1000 Genomes Project in 8 of 5000 chromosomes (frequency: 0.0016) and in the Exome Aggregation Consortium database (March 14, 2016) in 45 of 120310 chromosomes (freq. 0.0004) in the following populations: East Asian in 44 of 8626 chromosomes (freq. 0.005), South Asian in 1 of 16236 chromosomes (freq. 0.000006), but was not seen in African, Finnish, European (Non-Finnish), and Latino populations, increasing the likelihood this could be a low frequency benign variant. The p.Cys315 residue is not conserved in mammals and four out of five computational analyses (PolyPhen-2, SIFT, AlignGVGD, BLOSUM, MutationTaster) do not suggest a high likelihood of impact to the protein; however, this information is not predictive enough to rule out pathogenicity. The variant occurs outside of the splicing consensus sequence and in silico or computational prediction software programs (SpliceSiteFinder, MaxEntScan, NNSPLICE, GeneSplicer, HumanSpliceFinder) do not predict a difference in splicing at the known exon/intron boundary however 3 out of 5 programs suggest a change in a 3â€šÃ„Ã´ cryptic splice site. Akbari (2008) classified the variant as deleterious because it is located in the region implicated in the BRCA2-P/CAF complex formation. Hu (2004) classified the variant as uncertain significance because although the variant showed segregation in the families studied, they could not demonstrate co-segregation with disease. In summary, based on the above information, the clinical significance of this variant cannot be determined with certainty at this time although we would lean towards a more benign role for this variant. This variant is classified as likely benign.

Joint Genome Diagnostic Labs from Nijmegen and Maastricht, Radboudumc and MUMC+
Classification: Likely benign. Review status: no assertion criteria provided. Collection method: clinical testing. Allele origin: germline. Affected: yes. Study: VKGL Data-share Consensus. Not counted in ClinVar's aggregate classification.

Laboratory of Diagnostic Genome Analysis, Leiden University Medical Center (LUMC)
Classification: Likely benign. Review status: no assertion criteria provided. Collection method: clinical testing. Allele origin: germline. Affected: yes. Study: VKGL Data-share Consensus. Not counted in ClinVar's aggregate classification.

Literature cited by the submitters: PubMed 30287823 (cited by Quest Diagnostics Nichols Institute San Juan Capistrano); PubMed 30702160 (cited by Quest Diagnostics Nichols Institute San Juan Capistrano); PubMed 33471991 (cited by Quest Diagnostics Nichols Institute San Juan Capistrano); PubMed 32467295 (cited by Quest Diagnostics Nichols Institute San Juan Capistrano); PubMed 23555315 (cited by Quest Diagnostics Nichols Institute San Juan Capistrano and Women's Health and Genetics/Laboratory Corporation of America, LabCorp); PubMed 11948123 (cited by 3 submitters); PubMed 21120943 (cited by Quest Diagnostics Nichols Institute San Juan Capistrano and Women's Health and Genetics/Laboratory Corporation of America, LabCorp); PubMed 17724471 (cited by 3 submitters); PubMed 14647438 (cited by Quest Diagnostics Nichols Institute San Juan Capistrano and Women's Health and Genetics/Laboratory Corporation of America, LabCorp); PubMed 18431501 (cited by 4 submitters); PubMed 18627636 (cited by 5 submitters); PubMed 22126563 (cited by 3 submitters); PubMed 14973102 (cited by 5 submitters); PubMed 24618965 (cited by 3 submitters); PubMed 27907908 (cited by Quest Diagnostics Nichols Institute San Juan Capistrano); PubMed 27628236 (cited by Quest Diagnostics Nichols Institute San Juan Capistrano); PubMed 28222693 (cited by Quest Diagnostics Nichols Institute San Juan Capistrano and Women's Health and Genetics/Laboratory Corporation of America, LabCorp); PubMed 27658390 (cited by Quest Diagnostics Nichols Institute San Juan Capistrano and Women's Health and Genetics/Laboratory Corporation of America, LabCorp); PubMed 22970155 (cited by Women's Health and Genetics/Laboratory Corporation of America, LabCorp); PubMed 12670525 (cited by Women's Health and Genetics/Laboratory Corporation of America, LabCorp); PubMed 22486713 (cited by Women's Health and Genetics/Laboratory Corporation of America, LabCorp and Counsyl); PubMed 25348012 (cited by Women's Health and Genetics/Laboratory Corporation of America, LabCorp); PubMed 23960188 (cited by Women's Health and Genetics/Laboratory Corporation of America, LabCorp); PubMed 1234 (cited by Illumina Laboratory Services, Illumina); PubMed 1843150 (cited by Counsyl).